The following is an entry in ClinVar:

ClinVar aggregate classification (germline): Likely benign (1 of 4 stars; one submission).

Submission:

GeneDx
Classification: Likely benign. Last evaluated: 2017-06-06. Review status: criteria provided, single submitter. Criteria: GeneDx Variant Classification (06012015). Collection method: clinical testing. Allele origin: germline. Affected: yes.
Comment: This variant is considered likely benign or benign based on one or more of the following criteria: it is a conservative change, it occurs at a poorly conserved position in the protein, it is predicted to be benign by multiple in silico algorithms, and/or has population frequency not consistent with disease.

NM_005911.6(MAT2A):c.-22A>G

Gene: MAT2A (methionine adenosyltransferase 2A; plus strand). Cytogenetic location: 2p11.2.
Variant type: single nucleotide variant.
Coding change: c.-22A>G on transcript NM_005911.6 (MANE Select); 22 bases upstream of the start codon, A replaced by G.
Molecular consequence: 5 prime UTR variant.
Genome position (GRCh38, 1-based): chr2:85,539,266, A>G. VCF-style: chr2-85539266-A-G. GRCh37 (hg19) VCF-style: chr2-85766389-A-G.
Identifiers: ClinVar variation 510016 (VCV000510016.1), dbSNP rs761278339, ClinGen allele CA658795828.